The following is an entry in ClinVar:

ClinVar aggregate classification (germline): Uncertain significance. Review status: criteria provided, single submitter (1 of 4 stars). 3 submissions from 3 submitters: Uncertain significance (1). 2 of the submissions do not count toward it. Last evaluated 2019-03-01.

Conditions:
Cardiovascular phenotype. Identifiers: MedGen CN230736.

Submissions (3):

Ambry Genetics
Classification: Uncertain significance for Cardiovascular phenotype. Last evaluated: 2019-03-01. Review status: criteria provided, single submitter. Criteria: Ambry Variant Classification Scheme 2023. Collection method: clinical testing. Allele origin: germline.
Comment: The p.S517R variant (also known as c.1551C>A), located in coding exon 4 of the JPH2 gene, results from a C to A substitution at nucleotide position 1551. The serine at codon 517 is replaced by arginine, an amino acid with dissimilar properties. This amino acid position is poorly conserved in available vertebrate species. In addition, this alteration is predicted to be tolerated by in silico analysis. Since supporting evidence is limited at this time, the clinical significance of this alteration remains unclear.

Clinical Genetics, Academic Medical Center
Classification: Uncertain significance. Review status: no assertion criteria provided. Collection method: clinical testing. Allele origin: germline. Affected: yes. Study: VKGL Data-share Consensus. Not counted in ClinVar's aggregate classification.

Diagnostic Laboratory, Department of Genetics, University Medical Center Groningen
Classification: Uncertain significance. Review status: no assertion criteria provided. Collection method: clinical testing. Allele origin: germline. Affected: yes. Study: VKGL Data-share Consensus. Not counted in ClinVar's aggregate classification.

NM_020433.5(JPH2):c.1551C>A (p.Ser517Arg)

Gene: JPH2 (junctophilin 2; minus strand). Cytogenetic location: 20q13.12.
Variant type: single nucleotide variant.
Coding change: c.1551C>A on transcript NM_020433.5 (MANE Select); coding-DNA position 1551, C replaced by A.
Protein change: p.Ser517Arg; replaces serine 517 with arginine.
Molecular consequence: missense variant.
Genome position (GRCh38, 1-based): chr20:44,116,124, G>T on the plus strand (C>A on the coding strand, the complement: JPH2 is on the minus strand). VCF-style: chr20-44116124-G-T. GRCh37 (hg19) VCF-style: chr20-42744764-G-T.
Other names: short protein forms S517R.
Identifiers: ClinVar variation 1284668 (VCV001284668.5), dbSNP rs1295638660, ClinGen allele CA409100395.